The following is an entry in ClinVar:

ClinVar aggregate classification (germline): Uncertain significance (1 of 4 stars; one submission).

Conditions:
MELAS syndrome (MELAS). Also called: Juvenile myopathy, encephalopathy, lactic acidosis, stroke. Identifiers: Orphanet 550, MedGen C0162671, MONDO:0010789, OMIM 540000.

Submission:

Wong Mito Lab, Molecular and Human Genetics, Baylor College of Medicine
Classification: Uncertain significance for MELAS syndrome. Last evaluated: 2019-07-12. Review status: criteria provided, single submitter. Criteria: Modified ACMG Guidelines (Unpublished). Collection method: clinical testing. Allele origin: germline.
Comment: The NC_012920.1:m.4339G>A variant in MT-TQ gene is interpreted to be a Unknown Significance variant based on the modified ACMG guidelines (unpublished). This variant meets the following evidence codes reported in the guidelines: PP7

Literature cited by the submitters: PubMed 31965079.

NC_012920.1(MT-TQ):m.4339G>A

Gene: MT-TQ (mitochondrially encoded tRNA glutamine; minus strand).
Variant type: single nucleotide variant.
Genome position: chrM-4339-G-A.
Identifiers: ClinVar variation 689887 (VCV000689887.1), dbSNP rs1603219415, ClinGen allele CA913177787.